The following is an entry in ClinVar:

NM_020163.3(SEMA3G):c.2287A>G (p.Lys763Glu)

Gene: SEMA3G (semaphorin 3G; minus strand). Cytogenetic location: 3p21.1.
Variant type: single nucleotide variant.
Coding change: c.2287A>G on transcript NM_020163.3 (MANE Select); coding-DNA position 2287, A replaced by G.
Protein change: p.Lys763Glu; replaces lysine 763 with glutamic acid.
Molecular consequence: missense variant.
Genome position (GRCh38, 1-based): chr3:52,435,665, T>C on the plus strand (A>G on the coding strand, the complement: SEMA3G is on the minus strand). VCF-style: chr3-52435665-T-C. GRCh37 (hg19) VCF-style: chr3-52469681-T-C.
Other names: short protein forms K763E.
Identifiers: ClinVar variation 4982065 (VCV004982065.1).

ClinVar aggregate classification (germline): Uncertain significance (1 of 4 stars; one submission).

Conditions:
SEMA3G-related disorder. Also called: SEMA3G-related condition.

gnomAD v4.1: 1 of 1,614,050 alleles (0.000062%); no homozygotes.

Submission:

PreventionGenetics, part of Exact Sciences
Classification: Uncertain significance for SEMA3G-related condition. Last evaluated: 2025-10-30. Review status: criteria provided, single submitter. Criteria: ACMG Guidelines, 2015. Collection method: clinical testing. Allele origin: germline.
Comment: The SEMA3G c.2287A>G variant is predicted to result in the amino acid substitution p.Lys763Glu. To our knowledge, this variant has not been reported in the literature. This variant has been reported in one heterozygous individual within the 'other' subpopulation in gnomAD. At this time, the clinical significance of this variant is uncertain due to the absence of conclusive functional and genetic evidence.